The following is an entry in ClinVar:

ClinVar aggregate classification (germline): Conflicting classifications of pathogenicity. Review status: criteria provided, conflicting classifications (1 of 4 stars). 3 submissions from 3 submitters: Uncertain significance (2); Likely benign (1). Last evaluated 2025-05-06.

Conditions:
Hereditary cancer-predisposing syndrome. Also called: Neoplastic Syndromes, Hereditary; Tumor predisposition; Hereditary Cancer Syndrome; Hereditary neoplastic syndrome. Identifiers: Orphanet 140162, MedGen C0027672, MeSH D009386, MONDO:0015356.
Hereditary breast ovarian cancer syndrome. Also called: BRCA1- and BRCA2-Associated Hereditary Breast and Ovarian Cancer; Hereditary breast and ovarian cancer syndrome; Hereditary breast and ovarian cancer; Hereditary breast and ovarian cancer syndrome (HBOC); Breast and ovarian cancer; Hereditary breast and/or ovarian cancer syndrome. Identifiers: Orphanet 145, MedGen C0677776, MeSH D061325, MONDO:0003582. Disease mechanism: loss of function.

gnomAD v4.1: 2 of 1,613,784 alleles (0.00012%); highest among the groups gnomAD compares: East Asian, 0.0045%; no homozygotes.

Submissions (3):

Ambry Genetics
Classification: Likely benign for Hereditary cancer-predisposing syndrome. Last evaluated: 2025-05-06. Review status: criteria provided, single submitter. Criteria: Ambry Variant Classification Scheme 2023. Collection method: clinical testing. Allele origin: germline.

Labcorp Genetics (formerly Invitae), Labcorp
Classification: Uncertain significance for Hereditary breast ovarian cancer syndrome. Last evaluated: 2025-02-06. Review status: criteria provided, single submitter. Criteria: Invitae Variant Classification Sherloc (09022015). Collection method: clinical testing. Allele origin: germline.
Comment: This sequence change replaces glutamine, which is neutral and polar, with glutamic acid, which is acidic and polar, at codon 84 of the BRCA2 protein (p.Gln84Glu). This variant is not present in population databases (gnomAD no frequency). This missense change has been observed in individual(s) with breast cancer (PMID: 30287823). ClinVar contains an entry for this variant (Variation ID: 231831). Invitae Evidence Modeling of protein sequence and biophysical properties (such as structural, functional, and spatial information, amino acid conservation, physicochemical variation, residue mobility, and thermodynamic stability) indicates that this missense variant is not expected to disrupt BRCA2 protein function with a negative predictive value of 95%. Experimental studies have shown that this missense change does not substantially affect BRCA2 function (PMID: 37731132). In summary, the available evidence is currently insufficient to determine the role of this variant in disease. Therefore, it has been classified as a Variant of Uncertain Significance.

Color Diagnostics, LLC DBA Color Health
Classification: Uncertain significance for Hereditary cancer-predisposing syndrome. Last evaluated: 2019-06-20. Review status: criteria provided, single submitter. Criteria: ACMG Guidelines, 2015. Collection method: clinical testing. Allele origin: germline.

Literature cited by the submitters: PubMed 29176636 (cited by Ambry Genetics); PubMed 30287823 (cited by Ambry Genetics and Labcorp Genetics (formerly Invitae), Labcorp); PubMed 37731132 (cited by Labcorp Genetics (formerly Invitae), Labcorp).

NM_000059.4(BRCA2):c.250C>G (p.Gln84Glu)

Gene: BRCA2 (BRCA2 DNA repair associated; plus strand). Cytogenetic location: 13q13.1.
Variant type: single nucleotide variant.
Coding change: c.250C>G on transcript NM_000059.4 (MANE Select); coding-DNA position 250, C replaced by G.
Protein change: p.Gln84Glu; replaces glutamine 84 with glutamic acid.
Molecular consequence: missense variant.
Genome position (GRCh38, 1-based): chr13:32,319,259, C>G. VCF-style: chr13-32319259-C-G. GRCh37 (hg19) VCF-style: chr13-32893396-C-G.
Other names: short protein forms Q84E.
Identifiers: ClinVar variation 231831 (VCV000231831.16), dbSNP rs80358515, ClinGen allele CA10579451.